The following is an entry in ClinVar:

NM_018062.4(FANCL):c.908T>G (p.Phe303Cys)

Gene: FANCL (FA complementation group L; minus strand). Cytogenetic location: 2p16.1.
Variant type: single nucleotide variant.
Coding change: c.908T>G on transcript NM_018062.4 (MANE Select); coding-DNA position 908, T replaced by G.
Protein change: p.Phe303Cys; replaces phenylalanine 303 with cysteine.
Molecular consequence: missense variant.
Genome position (GRCh38, 1-based): chr2:58,161,634, A>C on the plus strand (T>G on the coding strand, the complement: FANCL is on the minus strand). VCF-style: chr2-58161634-A-C. GRCh37 (hg19) VCF-style: chr2-58388769-A-C.
Other names: c.923T>G, p.Phe308Cys (NM_001114636.2); c.953T>G, p.Phe318Cys (NM_001374615.1); c.968T>G, p.Phe323Cys (NM_001410792.1); short protein forms F308C, F323C, F318C, F303C.
Identifiers: ClinVar variation 2093479 (VCV002093479.4), dbSNP rs2466583898, ClinGen allele CA346933415.

ClinVar aggregate classification (germline): Uncertain significance (1 of 4 stars; one submission).

Conditions:
Fanconi anemia (FA). Also called: Fanconi's anemia. Identifiers: Orphanet 84, MedGen C0015625, MeSH D005199, MONDO:0019391.

Submission:

Labcorp Genetics (formerly Invitae), Labcorp
Classification: Uncertain significance for Fanconi anemia. Last evaluated: 2022-02-05. Review status: criteria provided, single submitter. Criteria: Invitae Variant Classification Sherloc (09022015). Collection method: clinical testing. Allele origin: germline.
Comment: In summary, the available evidence is currently insufficient to determine the role of this variant in disease. Therefore, it has been classified as a Variant of Uncertain Significance. Algorithms developed to predict the effect of missense changes on protein structure and function are either unavailable or do not agree on the potential impact of this missense change (SIFT: "Tolerated"; PolyPhen-2: "Probably Damaging"; Align-GVGD: "Class C15"). This variant has not been reported in the literature in individuals affected with FANCL-related conditions. This variant is not present in population databases (gnomAD no frequency). This sequence change replaces phenylalanine, which is neutral and non-polar, with cysteine, which is neutral and slightly polar, at codon 303 of the FANCL protein (p.Phe303Cys).